The following is an entry in ClinVar:

ClinVar aggregate classification (germline): Uncertain significance (1 of 4 stars; one submission).

Conditions:
Granulomatous disease, chronic, autosomal recessive, cytochrome b-positive, type 3. Also called: GRANULOMATOUS DISEASE, CHRONIC, DUE TO NCF4 DEFICIENCY; GRANULOMATOUS DISEASE, CHRONIC, AUTOSOMAL RECESSIVE, 3; CGD, AUTOSOMAL RECESSIVE CYTOCHROME b-POSITIVE, TYPE III; Granulomatous disease, chronic, autosomal recessive, cytochrome b-positive, type III. Identifiers: Orphanet 379, MedGen C3151409, MONDO:0013507, OMIM 613960.

Submission:

Labcorp Genetics (formerly Invitae), Labcorp
Classification: Uncertain significance for Granulomatous disease, chronic, autosomal recessive, cytochrome b-positive, type 3. Last evaluated: 2026-01-18. Review status: criteria provided, single submitter. Criteria: Invitae Variant Classification Sherloc (09022015). Collection method: clinical testing. Allele origin: germline.
Comment: This sequence change replaces aspartic acid, which is acidic and polar, with glutamic acid, which is acidic and polar, at codon 168 of the NCF4 protein (p.Asp168Glu). This variant is not present in population databases (gnomAD no frequency). This variant has not been reported in the literature in individuals affected with NCF4-related conditions. An algorithm developed to predict the effect of missense changes on protein structure and function (PolyPhen-2) suggests that this variant is likely to be tolerated. In summary, the available evidence is currently insufficient to determine the role of this variant in disease. Therefore, it has been classified as a Variant of Uncertain Significance.

NM_000631.5(NCF4):c.504C>G (p.Asp168Glu)

Gene: NCF4 (neutrophil cytosolic factor 4; plus strand). Cytogenetic location: 22q12.3.
Variant type: single nucleotide variant.
Coding change: c.504C>G on transcript NM_000631.5 (MANE Select); coding-DNA position 504, C replaced by G.
Protein change: p.Asp168Glu; replaces aspartic acid 168 with glutamic acid.
Molecular consequence: missense variant.
Genome position (GRCh38, 1-based): chr22:36,871,685, C>G. VCF-style: chr22-36871685-C-G. GRCh37 (hg19) VCF-style: chr22-37267727-C-G.
Other names: c.504C>G, p.Asp168Glu (NM_013416.4); short protein forms D168E.
Identifiers: ClinVar variation 4772055 (VCV004772055.1).